The following is an entry in ClinVar:

ClinVar aggregate classification (germline): Pathogenic/Likely pathogenic. Review status: criteria provided, multiple submitters, no conflicts (2 of 4 stars). 3 submissions from 3 submitters: Pathogenic (2); Likely pathogenic (1). Last evaluated 2024-04-14.

Conditions:
TTLL5-related disorder. Also called: TTLL5-related condition.
Retinal dystrophy. Also called: Inherited retinal dystrophy. Identifiers: Orphanet 71862, MedGen C0854723, MeSH D058499, MONDO:0019118, HP:0000556.

gnomAD v4.1: 18 of 1,614,084 alleles (0.0011%); highest among the groups gnomAD compares: Admixed American, 0.0083%; no homozygotes.

Submissions (3):

Labcorp Genetics (formerly Invitae), Labcorp
Classification: Pathogenic. Last evaluated: 2024-04-14. Review status: criteria provided, single submitter. Criteria: Invitae Variant Classification Sherloc (09022015). Collection method: clinical testing. Allele origin: germline.
Comment: This sequence change creates a premature translational stop signal (p.Arg420*) in the TTLL5 gene. It is expected to result in an absent or disrupted protein product. Loss-of-function variants in TTLL5 are known to be pathogenic (PMID: 24791901, 27162334). This variant is present in population databases (rs541400148, gnomAD 0.01%). This variant has not been reported in the literature in individuals affected with TTLL5-related conditions. ClinVar contains an entry for this variant (Variation ID: 1072044). For these reasons, this variant has been classified as Pathogenic.

Blueprint Genetics
Classification: Likely pathogenic for TTLL5-related disorders. Last evaluated: 2023-11-09. Review status: criteria provided, single submitter. Criteria: ACMG Guidelines, 2015. Collection method: clinical testing. Allele origin: germline. Affected: yes. Observed: 2 variant alleles.

Institute of Human Genetics, Univ. Regensburg, Univ. Regensburg
Classification: Pathogenic for Retinal dystrophy. Last evaluated: 2020-01-01. Review status: criteria provided, single submitter. Criteria: ACMG Guidelines, 2015. Collection method: clinical testing. Allele origin: germline. Affected: yes.

Literature cited by the submitters: PubMed 24791901 (cited by Labcorp Genetics (formerly Invitae), Labcorp); PubMed 27162334 (cited by Labcorp Genetics (formerly Invitae), Labcorp); PubMed 31964843 (cited by Institute of Human Genetics, Univ. Regensburg, Univ. Regensburg).

NM_015072.5(TTLL5):c.1258C>T (p.Arg420Ter)

Gene: TTLL5 (tubulin tyrosine ligase like 5; plus strand). Cytogenetic location: 14q24.3.
Variant type: single nucleotide variant.
Coding change: c.1258C>T on transcript NM_015072.5 (MANE Select); coding-DNA position 1258, C replaced by T.
Protein change: p.Arg420Ter; replaces arginine 420 with a stop codon.
Molecular consequence: nonsense.
Genome position (GRCh38, 1-based): chr14:75,735,266, C>T. VCF-style: chr14-75735266-C-T. GRCh37 (hg19) VCF-style: chr14-76201609-C-T.
Other names: short protein forms R420*.
Identifiers: ClinVar variation 1072044 (VCV001072044.9), dbSNP rs541400148, ClinGen allele CA7279303.